The following is an entry in ClinVar:

NM_000246.4(CIITA):c.2773C>G (p.Leu925Val)

Gene: CIITA (class II major histocompatibility complex transactivator; plus strand). Cytogenetic location: 16p13.13.
Variant type: single nucleotide variant.
Coding change: c.2773C>G on transcript NM_000246.4 (MANE Select); coding-DNA position 2773, C replaced by G.
Protein change: p.Leu925Val; replaces leucine 925 with valine.
Molecular consequence: missense variant.
Genome position (GRCh38, 1-based): chr16:10,909,144, C>G. VCF-style: chr16-10909144-C-G. GRCh37 (hg19) VCF-style: chr16-11003001-C-G.
Other names: c.2776C>G, p.Leu926Val (NM_001286402.1, NM_001379332.1); c.1021C>G, p.Leu341Val (NM_001286403.2); c.2629C>G, p.Leu877Val (NM_001379330.1); c.2626C>G, p.Leu876Val (NM_001379331.1); c.2773C>G, p.Leu925Val (NM_001379333.1); c.2704C>G, p.Leu902Val (NM_001379334.1); short protein forms L902V, L876V, L877V, L925V, L926V, L341V.
Identifiers: ClinVar variation 936304 (VCV000936304.10), dbSNP rs1193901367, ClinGen allele CA394735026.

ClinVar aggregate classification (germline): Uncertain significance. Review status: criteria provided, single submitter (1 of 4 stars). 2 submissions from 2 submitters: Uncertain significance (1). 1 of the submissions does not count toward it. Last evaluated 2021-09-01.

Conditions:
MHC class II deficiency. Also called: Bare lymphocyte syndrome 2; BLS, TYPE II. Identifiers: Orphanet 572, MedGen C5447452, MONDO:0008855.

Allele frequency attached by ClinVar (database versions not stated): gnomAD exomes below 0.00001; gnomAD 0.00001; TOPMed 0.00001.
gnomAD v4.1: 4 of 1,614,116 alleles (0.00025%); highest among the groups gnomAD compares: Non-Finnish European, 0.00034%; no homozygotes.

Submissions (2):

Labcorp Genetics (formerly Invitae), Labcorp
Classification: Uncertain significance for MHC class II deficiency. Last evaluated: 2021-09-01. Review status: criteria provided, single submitter. Criteria: Invitae Variant Classification Sherloc (09022015). Collection method: clinical testing. Allele origin: germline.
Comment: This sequence change replaces leucine with valine at codon 925 of the CIITA protein (p.Leu925Val). The leucine residue is weakly conserved and there is a small physicochemical difference between leucine and valine. This variant is not present in population databases (ExAC no frequency). This variant has not been reported in the literature in individuals affected with CIITA-related conditions. Algorithms developed to predict the effect of missense changes on protein structure and function output the following: SIFT: "Tolerated"; PolyPhen-2: "Benign"; Align-GVGD: "Class C0". The valine amino acid residue is found in multiple mammalian species, which suggests that this missense change does not adversely affect protein function. In summary, the available evidence is currently insufficient to determine the role of this variant in disease. Therefore, it has been classified as a Variant of Uncertain Significance.

Natera, Inc.
Classification: Uncertain significance for Bare lymphocyte syndrome type II. Last evaluated: 2021-08-10. Review status: no assertion criteria provided. Collection method: clinical testing. Allele origin: germline. Not counted in ClinVar's aggregate classification.